The following is an entry in ClinVar:

NM_152393.4(KLHL40):c.553G>C (p.Gly185Arg)

Gene: KLHL40 (kelch like family member 40; plus strand). Cytogenetic location: 3p22.1.
Variant type: single nucleotide variant.
Coding change: c.553G>C on transcript NM_152393.4 (MANE Select); coding-DNA position 553, G replaced by C.
Protein change: p.Gly185Arg; replaces glycine 185 with arginine.
Molecular consequence: missense variant.
Genome position (GRCh38, 1-based): chr3:42,686,171, G>C. VCF-style: chr3-42686171-G-C. GRCh37 (hg19) VCF-style: chr3-42727663-G-C.
Other names: c.553G>C (NM_152393.2); short protein forms G185R.
Identifiers: ClinVar variation 851342 (VCV000851342.8), dbSNP rs921432594, ClinGen allele CA74191821.

ClinVar aggregate classification (germline): Uncertain significance. Review status: criteria provided, multiple submitters, no conflicts (2 of 4 stars). 3 submissions from 3 submitters: Uncertain significance (3). Last evaluated 2025-06-18.

Conditions:
Inborn genetic diseases. Identifiers: MedGen C0950123, MeSH D030342.
Nemaline myopathy 8 (NEM8). Also called: Nemaline myopathy 8, autosomal recessive. Identifiers: Orphanet 171430, MedGen C3809209, MONDO:0014138, OMIM 615348.

Allele frequency attached by ClinVar (database versions not stated): gnomAD exomes below 0.00001; gnomAD 0.00001; TOPMed 0.00002.
gnomAD v4.1: 11 of 1,588,558 alleles (0.00069%); highest among the groups gnomAD compares: South Asian, 0.0011%; no homozygotes.

Submissions (3):

Ambry Genetics
Classification: Uncertain significance for Inborn genetic diseases. Last evaluated: 2025-06-18. Review status: criteria provided, single submitter. Criteria: Ambry Variant Classification Scheme 2023. Collection method: clinical testing. Allele origin: germline.

Labcorp Genetics (formerly Invitae), Labcorp
Classification: Uncertain significance for Nemaline myopathy 8. Last evaluated: 2022-04-01. Review status: criteria provided, single submitter. Criteria: Invitae Variant Classification Sherloc (09022015). Collection method: clinical testing. Allele origin: germline.
Comment: This sequence change replaces glycine, which is neutral and non-polar, with arginine, which is basic and polar, at codon 185 of the KLHL40 protein (p.Gly185Arg). This variant is present in population databases (no rsID available, gnomAD 0.001%). This variant has not been reported in the literature in individuals affected with KLHL40-related conditions. ClinVar contains an entry for this variant (Variation ID: 851342). Algorithms developed to predict the effect of missense changes on protein structure and function are either unavailable or do not agree on the potential impact of this missense change (SIFT: "Tolerated"; PolyPhen-2: "Possibly Damaging"; Align-GVGD: "Class C0"). In summary, the available evidence is currently insufficient to determine the role of this variant in disease. Therefore, it has been classified as a Variant of Uncertain Significance.

GeneDx
Classification: Uncertain significance. Last evaluated: 2019-02-13. Review status: criteria provided, single submitter. Criteria: GeneDx Variant Classification Process June 2021. Collection method: clinical testing. Allele origin: germline. Affected: yes.
Comment: Not observed at a significant frequency in large population cohorts (Lek et al., 2016); The majority of missense variants in this gene are considered pathogenic (Stenson et al., 2014); In silico analysis, which includes protein predictors and evolutionary conservation, supports that this variant does not alter protein structure/function; Has not been previously published as pathogenic or benign to our knowledge